The following is an entry in ClinVar:

ClinVar aggregate classification (germline): Likely pathogenic (1 of 4 stars; one submission).

Conditions:
Retinitis pigmentosa 92. Identifiers: MedGen C5562022, MONDO:0030619, OMIM 619614.

Submission:

First Genomix Gene Laboratory, Genetic Diagnostics Department
Classification: Likely pathogenic for Retinitis pigmentosa 92. Last evaluated: 2025-08-01. Review status: criteria provided, single submitter. Criteria: ACMG Guidelines, 2015. Collection method: clinical testing. Allele origin: germline. Inheritance: Autosomal recessive inheritance. Affected: no. Observed: 1 variant allele.

NM_025130.4(HKDC1):c.1847_1848del (p.Ile616fs)

Gene: HKDC1 (hexokinase domain containing 1; plus strand). Cytogenetic location: 10q22.1.
Variant type: Deletion.
Coding change: c.1847_1848del on transcript NM_025130.4 (MANE Select); coding-DNA positions 1847 to 1848, 2 bases deleted (TA; older notation c.1847_1848delTA).
Protein change: p.Ile616fs; shifts the reading frame from isoleucine 616.
Molecular consequence: frameshift variant.
Genome position (GRCh38, 1-based): chr10:69,257,046-69,257,047, TA deleted; deleting any 2 consecutive bases within chr10:69,257,045-69,257,047 gives the same sequence; the c. name uses the placement nearest the transcript's 3' end. VCF-style (leftmost placement, unchanged base first): chr10-69257044-CAT-C. GRCh37 (hg19) VCF-style: chr10-71016800-CAT-C.
Other names: c.1847_1848delTA (NM_025130.4); short protein forms I616fs.
Identifiers: ClinVar variation 4850570 (VCV004850570.1).